The following is an entry in ClinVar:

ClinVar aggregate classification (germline): Uncertain significance (1 of 4 stars; one submission).

gnomAD v4.1: 12 of 1,614,122 alleles (0.00074%); highest among the groups gnomAD compares: East Asian, 0.027%; no homozygotes.

Submission:

GeneDx
Classification: Uncertain significance. Last evaluated: 2022-03-31. Review status: criteria provided, single submitter. Criteria: GeneDx Variant Classification Process June 2021. Collection method: clinical testing. Allele origin: germline. Affected: yes.
Comment: In silico analysis supports that this missense variant does not alter protein structure/function; Has not been previously published as pathogenic or benign to our knowledge

NM_012064.4(MIP):c.20C>T (p.Ala7Val)

Gene: MIP (major intrinsic protein of lens fiber; minus strand). Cytogenetic location: 12q13.3.
Variant type: single nucleotide variant.
Coding change: c.20C>T on transcript NM_012064.4 (MANE Select); coding-DNA position 20, C replaced by T.
Protein change: p.Ala7Val; replaces alanine 7 with valine.
Molecular consequence: missense variant.
Genome position (GRCh38, 1-based): chr12:56,454,594, G>A on the plus strand (C>T on the coding strand, the complement: MIP is on the minus strand). VCF-style: chr12-56454594-G-A. GRCh37 (hg19) VCF-style: chr12-56848378-G-A.
Other names: short protein forms A7V.
Identifiers: ClinVar variation 1676377 (VCV001676377.2), dbSNP rs201697509, ClinGen allele CA6632669.